The following is an entry in ClinVar:

NM_020699.4(GATAD2B):c.1021G>A (p.Ala341Thr)

Gene: GATAD2B (GATA zinc finger domain containing 2B; minus strand). Cytogenetic location: 1q21.3.
Variant type: single nucleotide variant.
Coding change: c.1021G>A on transcript NM_020699.4 (MANE Select); coding-DNA position 1021, G replaced by A.
Protein change: p.Ala341Thr; replaces alanine 341 with threonine.
Molecular consequence: missense variant.
Genome position (GRCh38, 1-based): chr1:153,816,468, C>T on the plus strand (G>A on the coding strand, the complement: GATAD2B is on the minus strand). VCF-style: chr1-153816468-C-T. GRCh37 (hg19) VCF-style: chr1-153788944-C-T.
Other names: short protein forms A341T.
Identifiers: ClinVar variation 1429360 (VCV001429360.6), dbSNP rs146702560, ClinGen allele CA1120710.

ClinVar aggregate classification (germline): Uncertain significance (1 of 4 stars; one submission).

Allele frequency attached by ClinVar (database versions not stated): gnomAD exomes 0.00004 and 0.00005; TOPMed 0.00005; ExAC 0.00006; gnomAD 0.00006 and 0.00007; ESP Exome Variant Server 0.00015; 1000 Genomes Project 30x 0.00016; 1000 Genomes Project 0.00020.
gnomAD v4.1: 73 of 1,614,020 alleles (0.0045%); highest among the groups gnomAD compares: South Asian, 0.0066%; no homozygotes.

Submission:

Labcorp Genetics (formerly Invitae), Labcorp
Classification: Uncertain significance. Last evaluated: 2025-04-02. Review status: criteria provided, single submitter. Criteria: Invitae Variant Classification Sherloc (09022015). Collection method: clinical testing. Allele origin: germline.
Comment: This sequence change replaces alanine, which is neutral and non-polar, with threonine, which is neutral and polar, at codon 341 of the GATAD2B protein (p.Ala341Thr). This variant is present in population databases (rs146702560, gnomAD 0.02%). This variant has not been reported in the literature in individuals affected with GATAD2B-related conditions. ClinVar contains an entry for this variant (Variation ID: 1429360). Invitae Evidence Modeling of protein sequence and biophysical properties (such as structural, functional, and spatial information, amino acid conservation, physicochemical variation, residue mobility, and thermodynamic stability) indicates that this missense variant is not expected to disrupt GATAD2B protein function with a negative predictive value of 80%. In summary, the available evidence is currently insufficient to determine the role of this variant in disease. Therefore, it has been classified as a Variant of Uncertain Significance.